The following is an entry in ClinVar:

NM_000270.4(PNP):c.836T>G (p.Met279Arg)

Gene: PNP (purine nucleoside phosphorylase; plus strand). Cytogenetic location: 14q11.2.
Variant type: single nucleotide variant.
Coding change: c.836T>G on transcript NM_000270.4 (MANE Select); coding-DNA position 836, T replaced by G.
Protein change: p.Met279Arg; replaces methionine 279 with arginine.
Molecular consequence: missense variant.
Genome position (GRCh38, 1-based): chr14:20,476,567, T>G. VCF-style: chr14-20476567-T-G. GRCh37 (hg19) VCF-style: chr14-20944726-T-G.
Other names: short protein forms M279R.
Identifiers: ClinVar variation 1713407 (VCV001713407.5), dbSNP rs1454772907, ClinGen allele CA389146273.

ClinVar aggregate classification (germline): Uncertain significance (1 of 4 stars; one submission).

Conditions:
Purine-nucleoside phosphorylase deficiency. Also called: NUCLEOSIDE PHOSPHORYLASE DEFICIENCY; Immunodeficiency due to purine nucleoside phosphorylase deficiency. Identifiers: Orphanet 760, MedGen C0268125, MONDO:0013171, OMIM 613179.

Submission:

Labcorp Genetics (formerly Invitae), Labcorp
Classification: Uncertain significance for Purine-nucleoside phosphorylase deficiency. Last evaluated: 2022-09-19. Review status: criteria provided, single submitter. Criteria: Invitae Variant Classification Sherloc (09022015). Collection method: clinical testing. Allele origin: germline.
Comment: This sequence change replaces methionine, which is neutral and non-polar, with arginine, which is basic and polar, at codon 279 of the PNP protein (p.Met279Arg). In summary, the available evidence is currently insufficient to determine the role of this variant in disease. Therefore, it has been classified as a Variant of Uncertain Significance. Advanced modeling of protein sequence and biophysical properties (such as structural, functional, and spatial information, amino acid conservation, physicochemical variation, residue mobility, and thermodynamic stability) performed at Invitae indicates that this missense variant is not expected to disrupt PNP protein function. This variant has not been reported in the literature in individuals affected with PNP-related conditions. This variant is not present in population databases (gnomAD no frequency).